The following is an entry in ClinVar:

NM_001034853.2(RPGR):c.1387C>T (p.Gln463Ter)

Gene: RPGR (retinitis pigmentosa GTPase regulator; minus strand). Cytogenetic location: Xp11.4.
Variant type: single nucleotide variant.
Coding change: c.1387C>T on transcript NM_001034853.2 (MANE Select); coding-DNA position 1387, C replaced by T.
Protein change: p.Gln463Ter; replaces glutamine 463 with a stop codon.
Molecular consequence: nonsense. On other transcripts: non-coding transcript variant (6).
Genome position (GRCh38, 1-based): chrX:38,297,311, G>A on the plus strand (C>T on the coding strand, the complement: RPGR is on the minus strand). VCF-style: chrX-38297311-G-A. GRCh37 (hg19) VCF-style: chrX-38156564-G-A.
Other names: c.1387C>T, p.Gln463Ter (NM_000328.3, NM_001367247.1); c.1384C>T, p.Gln462Ter (NM_001367245.1, NM_001367249.1, NM_001367250.1); c.1201C>T, p.Gln401Ter (NM_001367246.1, NM_001367251.1); c.1417C>T, p.Gln473Ter (NM_001367248.1); short protein forms Q463*, Q473*, Q401*, Q462*.
Identifiers: ClinVar variation 289902 (VCV000289902.12), dbSNP rs886044302, ClinGen allele CA10606591.

ClinVar aggregate classification (germline): Pathogenic. Review status: criteria provided, multiple submitters, no conflicts (2 of 4 stars). 3 submissions from 3 submitters: Pathogenic (3). Last evaluated 2026-01-24.

Conditions:
RPGR-related disorder. Also called: RPGR-related condition.
Primary ciliary dyskinesia. Also called: Ciliary dyskinesia. Identifiers: Orphanet 244, MedGen C0008780, MONDO:0016575, HP:0012265.

Submissions (3):

Labcorp Genetics (formerly Invitae), Labcorp
Classification: Pathogenic for Primary ciliary dyskinesia. Last evaluated: 2026-01-24. Review status: criteria provided, single submitter. Criteria: Invitae Variant Classification Sherloc (09022015). Collection method: clinical testing. Allele origin: germline.
Comment: This sequence change creates a premature translational stop signal (p.Gln463*) in the RPGR gene. It is expected to result in an absent or disrupted protein product. Loss-of-function variants in RPGR are known to be pathogenic (PMID: 16055928, 16969763). This variant is not present in population databases (gnomAD no frequency). This premature translational stop signal has been observed in individual(s) with retinitis pigmentosa (PMID: 28322733). ClinVar contains an entry for this variant (Variation ID: 289902). Algorithms developed to predict the effect of sequence changes on RNA splicing suggest that this variant may disrupt the consensus splice site. For these reasons, this variant has been classified as Pathogenic.

Blueprint Genetics
Classification: Pathogenic for RPGR-related disorders. Last evaluated: 2018-12-28. Review status: criteria provided, single submitter. Criteria: ACMG Guidelines, 2015. Collection method: clinical testing. Allele origin: germline. Affected: yes. Observed: 2 variant alleles.

Eurofins Ntd Llc (ga)
Classification: Pathogenic. Last evaluated: 2016-08-02. Review status: criteria provided, single submitter. Criteria: EGL Classification Definitions 2015. Collection method: clinical testing. Allele origin: germline. Observed: 1 variant allele, 1 hemizygote.

Literature cited by the submitters: PubMed 16055928 (cited by Labcorp Genetics (formerly Invitae), Labcorp); PubMed 16969763 (cited by Labcorp Genetics (formerly Invitae), Labcorp); PubMed 28322733 (cited by Labcorp Genetics (formerly Invitae), Labcorp).